The following is an entry in ClinVar:

NM_016038.4(SBDS):c.314A>G (p.Glu105Gly)

Gene: SBDS (SBDS ribosome maturation factor; minus strand). Cytogenetic location: 7q11.21.
Variant type: single nucleotide variant.
Coding change: c.314A>G on transcript NM_016038.4 (MANE Select); coding-DNA position 314, A replaced by G.
Protein change: p.Glu105Gly; replaces glutamic acid 105 with glycine.
Molecular consequence: missense variant.
Genome position (GRCh38, 1-based): chr7:66,993,362, T>C on the plus strand (A>G on the coding strand, the complement: SBDS is on the minus strand). VCF-style: chr7-66993362-T-C. GRCh37 (hg19) VCF-style: chr7-66458349-T-C.
Other names: short protein forms E105G.
Identifiers: ClinVar variation 3950304 (VCV003950304.1).
Genomic context (GRCh38, chr7:66,993,362, plus strand): 5'-TTTGTTTCAGGATTCACACATTTGTCTGCCACAATAGTTGCAATGTCCCTAAACATCTGC[T>C]CCAGTTGTGTGTGTCTTTCTTTATCTGATACTTGAACTTCTCCTTTAGTCAAAATCTAAA-3'
Protein context (NP_057122.2, residues 95-115): VSDKERHTQL[Glu105Gly]QMFRDIATIV

ClinVar aggregate classification (germline): Uncertain significance (1 of 4 stars; one submission).

Conditions:
Inborn genetic diseases. Identifiers: MedGen C0950123, MeSH D030342.

Submission:

Ambry Genetics
Classification: Uncertain significance for Inborn genetic diseases. Last evaluated: 2025-04-03. Review status: criteria provided, single submitter. Criteria: Ambry Variant Classification Scheme 2023. Collection method: clinical testing. Allele origin: germline.
Comment: The p.E105G variant (also known as c.314A>G), located in coding exon 3 of the SBDS gene, results from an A to G substitution at nucleotide position 314. The glutamic acid at codon 105 is replaced by glycine, an amino acid with similar properties. This amino acid position is conserved. In addition, this alteration is predicted to be deleterious by in silico analysis. Based on the available evidence, the clinical significance of this variant remains unclear.